The following is an entry in ClinVar:

NM_199420.4(POLQ):c.1837C>A (p.His613Asn)

Gene: POLQ (DNA polymerase theta; minus strand). Cytogenetic location: 3q13.33.
Variant type: single nucleotide variant.
Coding change: c.1837C>A on transcript NM_199420.4 (MANE Select); coding-DNA position 1837, C replaced by A.
Protein change: p.His613Asn; replaces histidine 613 with asparagine.
Molecular consequence: missense variant.
Genome position (GRCh38, 1-based): chr3:121,509,683, G>T on the plus strand (C>A on the coding strand, the complement: POLQ is on the minus strand). VCF-style: chr3-121509683-G-T. GRCh37 (hg19) VCF-style: chr3-121228530-G-T.
Other names: short protein forms H613N.
Identifiers: ClinVar variation 1781056 (VCV001781056.2), dbSNP rs146629376, ClinGen allele CA2563431.

ClinVar aggregate classification (germline): Uncertain significance (1 of 4 stars; one submission).

gnomAD v4.1: 8 of 1,613,674 alleles (0.0005%); highest among the groups gnomAD compares: Non-Finnish European, 0.00059%; no homozygotes.

Submission:

Ambry Genetics
Classification: Uncertain significance. Last evaluated: 2022-04-02. Review status: criteria provided, single submitter. Criteria: Ambry Variant Classification Scheme 2023. Collection method: clinical testing. Allele origin: germline.
Comment: The p.H613N variant (also known as c.1837C>A), located in coding exon 12 of the POLQ gene, results from a C to A substitution at nucleotide position 1837. The histidine at codon 613 is replaced by asparagine, an amino acid with similar properties. This amino acid position is conserved. In addition, this alteration is predicted to be tolerated by in silico analysis. Since supporting evidence is limited at this time, the clinical significance of this alteration remains unclear.